The following is an entry in ClinVar:

ClinVar aggregate classification (germline): Pathogenic/Likely pathogenic. Review status: criteria provided, multiple submitters, no conflicts (2 of 4 stars). 2 submissions from 2 submitters: Pathogenic (1); Likely pathogenic (1). Last evaluated 2026-04-20.

Conditions:
Familial cancer of breast. Also called: Hereditary breast cancer; hereditary breast carcinoma; BREAST CANCER, FAMILIAL. Identifiers: Orphanet 227535, MedGen C0346153, MONDO:0016419, OMIM 114480. Disease mechanism: loss of function.

Submissions (2):

Clinical Genetics Laboratory, Skane University Hospital Lund
Classification: Pathogenic for Familial cancer of breast. Last evaluated: 2026-04-20. Review status: criteria provided, single submitter. Criteria: ACMG Guidelines, 2015. Collection method: clinical testing. Allele origin: germline. Affected: yes.
Comment: PVS1, PM2_supporting and PM5_strong.

Center for Genomic Medicine, Rigshospitalet, Copenhagen University Hospital
Classification: Likely pathogenic. Last evaluated: 2025-03-04. Review status: criteria provided, single submitter. Criteria: ACMG Guidelines, 2015. Collection method: clinical testing. Allele origin: germline.
Comment: Classification criteria: PVS1+PM2_support

NM_000059.4(BRCA2):c.4578dup (p.Ala1527fs)

Gene: BRCA2 (BRCA2 DNA repair associated; plus strand). Cytogenetic location: 13q13.1.
Variant type: Duplication.
Coding change: c.4578dup on transcript NM_000059.4 (MANE Select); coding-DNA position 4578, one base duplicated (A; older notation c.4578dupA).
Protein change: p.Ala1527fs; shifts the reading frame from alanine 1527.
Molecular consequence: frameshift variant. On other transcripts: non-coding transcript variant (1), intron variant (2).
Genome position (GRCh38, 1-based): chr13:32,338,933, A duplicated. VCF-style (leftmost placement, unchanged base first): chr13-32338932-C-CA. GRCh37 (hg19) VCF-style: chr13-32913069-C-CA.
Other names: c.4578dup, p.Ala1527fs (NM_001406719.1, NM_001406720.1, NM_001432077.1); c.1909+5546dup (NM_001406721.1); c.425-5625dup (NM_001406722.1); c.4578dupA (NM_000059.4); short protein forms A1527fs.
Identifiers: ClinVar variation 3765273 (VCV003765273.2).